The following is an entry in ClinVar:

ClinVar aggregate classification (germline): Conflicting classifications of pathogenicity. Review status: criteria provided, conflicting classifications (1 of 4 stars). 6 submissions from 6 submitters: Uncertain significance (1); Benign (3); Likely benign (1). 1 of the submissions does not count toward it. Last evaluated 2026-01-07.

Conditions:
Mitochondrial complex III deficiency nuclear type 4. Identifiers: MedGen C3554607, MONDO:0014065, OMIM 615159.

Allele frequency attached by ClinVar (database versions not stated): gnomAD exomes 0.00060 and 0.00149; ExAC 0.00185; gnomAD 0.00533 and 0.00563; TOPMed 0.00588; ESP Exome Variant Server 0.00623; 1000 Genomes Project 30x 0.00656; 1000 Genomes Project 0.00659.

Submissions (6):

Labcorp Genetics (formerly Invitae), Labcorp
Classification: Benign. Last evaluated: 2026-01-07. Review status: criteria provided, single submitter. Criteria: Invitae Variant Classification Sherloc (09022015). Collection method: clinical testing. Allele origin: germline.

Blueprint Genetics
Classification: Likely benign. Last evaluated: 2024-10-07. Review status: criteria provided, single submitter. Criteria: ACMG Guidelines, 2015. Collection method: clinical testing. Allele origin: germline.

ARUP Laboratories, Molecular Genetics and Genomics, ARUP Laboratories
Classification: Benign. Last evaluated: 2018-02-08. Review status: criteria provided, single submitter. Criteria: ARUP Molecular Germline Variant Investigation Process. Collection method: clinical testing. Allele origin: germline.

Illumina Laboratory Services, Illumina
Classification: Uncertain significance for Mitochondrial complex III deficiency nuclear type 4. Last evaluated: 2018-01-13. Review status: criteria provided, single submitter. Criteria: ICSL Variant Classification Criteria 13 December 2019. Collection method: clinical testing. Allele origin: germline.

GeneDx
Classification: Benign. Last evaluated: 2014-05-27. Review status: criteria provided, single submitter. Criteria: GeneDx Variant Classification (06012015). Collection method: clinical testing. Allele origin: germline. Affected: yes.
Comment: This variant is considered likely benign or benign based on one or more of the following criteria: it is a conservative change, it occurs at a poorly conserved position in the protein, it is predicted to be benign by multiple in silico algorithms, and/or has population frequency not consistent with disease.

Mayo Clinic Laboratories, Mayo Clinic
Classification: Likely benign. Last evaluated: 2017-09-15. Review status: no assertion criteria provided. Collection method: clinical testing. Allele origin: unknown. Not counted in ClinVar's aggregate classification.

NM_014402.5(UQCRQ):c.108C>G (p.Pro36=)

Genes: UQCRQ (ubiquinol-cytochrome c reductase complex III subunit VII; plus strand), LOC126807509 (BRD4-independent group 4 enhancer GRCh37_chr5:132201613-132202812; plus strand). Cytogenetic location: 5q31.1.
Variant type: single nucleotide variant.
Coding change: c.108C>G on transcript NM_014402.5 (MANE Select); coding-DNA position 108, C replaced by G.
Protein change: p.Pro36=; no amino-acid change (proline 36 retained).
Molecular consequence: synonymous variant.
Genome position (GRCh38, 1-based): chr5:132,866,989, C>G. VCF-style: chr5-132866989-C-G. GRCh37 (hg19) VCF-style: chr5-132202681-C-G.
Other names: p.P36P:CCC>CCG.
Identifiers: ClinVar variation 137891 (VCV000137891.26), dbSNP rs36093416, ClinGen allele CA291620.
Genomic context (GRCh38, chr5:132,866,989, plus strand): 5'-CTACAGCTTGTCACCGTTCGAGCAGCGCGCCTATCCGCACGTCTTCACTAAAGGAATCCC[C>G]AATGTTCTGCGCCGCATTCGGGAGTCTTTCTTTCGCGTGGTGCCGCGTGAGTGCCTTGGG-3'
Protein context (NP_055217.2, residues 26-46): AYPHVFTKGI[Pro36=]NVLRRIRESF